The following is an entry in ClinVar:

ClinVar aggregate classification (germline): Uncertain significance (1 of 4 stars; one submission).

Conditions:
Hereditary cancer-predisposing syndrome. Also called: Hereditary Cancer Syndrome; Hereditary neoplastic syndrome; Neoplastic Syndromes, Hereditary; Tumor predisposition. Identifiers: Orphanet 140162, MedGen C0027672, MeSH D009386, MONDO:0015356.

Submission:

Ambry Genetics
Classification: Uncertain significance for Hereditary cancer-predisposing syndrome. Last evaluated: 2022-06-16. Review status: criteria provided, single submitter. Criteria: Ambry Variant Classification Scheme 2023. Collection method: clinical testing. Allele origin: germline.
Comment: The p.S321T variant (also known as c.961T>A), located in coding exon 4 of the MSH6 gene, results from a T to A substitution at nucleotide position 961. The serine at codon 321 is replaced by threonine, an amino acid with similar properties. This amino acid position is conserved. In addition, this alteration is predicted to be tolerated by in silico analysis. Since supporting evidence is limited at this time, the clinical significance of this alteration remains unclear.

NM_000179.3(MSH6):c.961T>A (p.Ser321Thr)

Gene: MSH6 (mutS homolog 6; plus strand). Cytogenetic location: 2p16.3.
Variant type: single nucleotide variant.
Coding change: c.961T>A on transcript NM_000179.3 (MANE Select); coding-DNA position 961, T replaced by A.
Protein change: p.Ser321Thr; replaces serine 321 with threonine.
Molecular consequence: missense variant.
Genome position (GRCh38, 1-based): chr2:47,798,944, T>A. VCF-style: chr2-47798944-T-A. GRCh37 (hg19) VCF-style: chr2-48026083-T-A.
Other names: c.571T>A, p.Ser191Thr (NM_001281492.2); c.55T>A, p.Ser19Thr (NM_001281493.2, NM_001281494.2, NM_001406811.1 and 6 more transcripts); c.1057T>A, p.Ser353Thr (NM_001406795.1, NM_001406802.1); c.961T>A, p.Ser321Thr (NM_001406796.1, NM_001406798.1, NM_001406800.1 and 4 more transcripts); c.664T>A, p.Ser222Thr (NM_001406797.1, NM_001406801.1, NM_001406805.1 and 10 more transcripts); c.436T>A, p.Ser146Thr (NM_001406799.1, NM_001406806.1, NM_001406807.1); c.883T>A, p.Ser295Thr (NM_001406804.1); c.967T>A, p.Ser323Thr (NM_001406813.1); and 1 more; short protein forms S265T, S323T, S146T, S191T, S295T, S321T, S19T, S222T.
Identifiers: ClinVar variation 1767597 (VCV001767597.2), dbSNP rs2104309335, ClinGen allele CA346740901.